The following is an entry in ClinVar:

NM_015335.5(MED13L):c.1952T>G (p.Leu651Arg)

Gene: MED13L (mediator complex subunit 13L; minus strand). Cytogenetic location: 12q24.21.
Variant type: single nucleotide variant.
Coding change: c.1952T>G on transcript NM_015335.5 (MANE Select); coding-DNA position 1952, T replaced by G.
Protein change: p.Leu651Arg; replaces leucine 651 with arginine.
Molecular consequence: missense variant.
Genome position (GRCh38, 1-based): chr12:116,008,461, A>C on the plus strand (T>G on the coding strand, the complement: MED13L is on the minus strand). VCF-style: chr12-116008461-A-C. GRCh37 (hg19) VCF-style: chr12-116446266-A-C.
Other names: short protein forms L651R.
Identifiers: ClinVar variation 2500643 (VCV002500643.2), dbSNP rs2499911055, ClinGen allele CA386895204.

ClinVar aggregate classification (germline): Uncertain significance. Review status: criteria provided, multiple submitters, no conflicts (2 of 4 stars). 2 submissions from 2 submitters: Uncertain significance (2). Last evaluated 2025-02-16.

Conditions:
Dextro-looped transposition of the great arteries. Also called: Dextrotransposition of the great arteries. Identifiers: Orphanet 860, MedGen C3531771, MONDO:0019443, OMIM 608808, HP:0031348.

Allele frequency attached by ClinVar (database versions not stated): gnomAD exomes below 0.00001.
gnomAD v4.1: 1 of 1,613,256 alleles (0.000062%); highest among the groups gnomAD compares: Non-Finnish European, 0.000085%; no homozygotes.

Submissions (2):

Labcorp Genetics (formerly Invitae), Labcorp
Classification: Uncertain significance for Dextro-looped transposition of the great arteries. Last evaluated: 2025-02-16. Review status: criteria provided, single submitter. Criteria: Invitae Variant Classification Sherloc (09022015). Collection method: clinical testing. Allele origin: germline.
Comment: This sequence change replaces leucine, which is neutral and non-polar, with arginine, which is basic and polar, at codon 651 of the MED13L protein (p.Leu651Arg). This variant is not present in population databases (gnomAD no frequency). This variant has not been reported in the literature in individuals affected with MED13L-related conditions. ClinVar contains an entry for this variant (Variation ID: 2500643). Invitae Evidence Modeling of protein sequence and biophysical properties (such as structural, functional, and spatial information, amino acid conservation, physicochemical variation, residue mobility, and thermodynamic stability) indicates that this missense variant is expected to disrupt MED13L protein function with a positive predictive value of 80%. In summary, the available evidence is currently insufficient to determine the role of this variant in disease. Therefore, it has been classified as a Variant of Uncertain Significance.

GeneDx
Classification: Uncertain significance. Last evaluated: 2022-10-24. Review status: criteria provided, single submitter. Criteria: GeneDx Variant Classification Process June 2021. Collection method: clinical testing. Allele origin: germline. Affected: yes.
Comment: Not observed at significant frequency in large population cohorts (gnomAD); In silico analysis supports that this missense variant does not alter protein structure/function; Has not been previously published as pathogenic or benign to our knowledge